The following is an entry in ClinVar:

ClinVar aggregate classification (germline): Uncertain significance. Review status: criteria provided, multiple submitters, no conflicts (2 of 4 stars). 6 submissions from 6 submitters: Uncertain significance (5). 1 of the submissions does not count toward it. Last evaluated 2025-12-29.

Conditions:
NTHL1-related disorder. Also called: NTHL1-related conditions; NTHL1-related condition.
Hereditary cancer-predisposing syndrome. Also called: Neoplastic Syndromes, Hereditary; Tumor predisposition; Hereditary Cancer Syndrome; Hereditary neoplastic syndrome. Identifiers: Orphanet 140162, MedGen C0027672, MeSH D009386, MONDO:0015356.

Allele frequency attached by ClinVar (database versions not stated): gnomAD exomes below 0.00001 and 0.00001; TOPMed below 0.00001; gnomAD 0.00001.
gnomAD v4.1: 11 of 1,608,204 alleles (0.00068%); highest among the groups gnomAD compares: Admixed American, 0.0017%; no homozygotes.

Submissions (6):

Labcorp Genetics (formerly Invitae), Labcorp
Classification: Uncertain significance. Last evaluated: 2025-12-29. Review status: criteria provided, single submitter. Criteria: Invitae Variant Classification Sherloc (09022015). Collection method: clinical testing. Allele origin: germline.
Comment: This sequence change replaces valine, which is neutral and non-polar, with methionine, which is neutral and non-polar, at codon 55 of the NTHL1 protein (p.Val55Met). The frequency data for this variant in the population databases is considered unreliable, as metrics indicate poor data quality at this position in the gnomAD database. This variant has not been reported in the literature in individuals affected with NTHL1-related conditions. ClinVar contains an entry for this variant (Variation ID: 649171). An algorithm developed to predict the effect of missense changes on protein structure and function outputs the following: PolyPhen-2: "Benign". The methionine amino acid residue is found in multiple mammalian species, which suggests that this missense change does not adversely affect protein function. In summary, the available evidence is currently insufficient to determine the role of this variant in disease. Therefore, it has been classified as a Variant of Uncertain Significance.

Ambry Genetics
Classification: Uncertain significance for Hereditary cancer-predisposing syndrome. Last evaluated: 2025-03-31. Review status: criteria provided, single submitter. Criteria: Ambry Variant Classification Scheme 2023. Collection method: clinical testing. Allele origin: germline.
Comment: The p.V55M variant (also known as c.163G>A), located in coding exon 2 of the NTHL1 gene, results from a G to A substitution at nucleotide position 163. The valine at codon 55 is replaced by methionine, an amino acid with highly similar properties. This amino acid position is not well conserved in available vertebrate species. In addition, this alteration is predicted to be tolerated by in silico analysis. Since supporting evidence is limited at this time, the clinical significance of this alteration remains unclear.

GeneDx
Classification: Uncertain significance. Last evaluated: 2024-05-20. Review status: criteria provided, single submitter. Criteria: GeneDx Variant Classification Process June 2021. Collection method: clinical testing. Allele origin: germline. Affected: yes.
Comment: Not observed at significant frequency in large population cohorts (gnomAD); In silico analysis indicates that this missense variant does not alter protein structure/function; Has not been previously published as pathogenic or benign to our knowledge

Quest Diagnostics Nichols Institute San Juan Capistrano
Classification: Uncertain significance. Last evaluated: 2024-01-15. Review status: criteria provided, single submitter. Criteria: Quest Diagnostics criteria. Collection method: clinical testing. Allele origin: unknown.
Comment: The NTHL1 c.163G>A (p.Val55Met) variant has not been reported in individuals with NTHL1-related conditions in the published literature. The frequency of this variant in the general population, 0.000004 (1/249664 chromosomes (Genome Aggregation Database)), is uninformative in the assessment of its pathogenicity. Analysis of this variant using bioinformatics tools for the prediction of the effect of amino acid changes on protein structure and function yielded predictions that this variant is benign. Based on the available information, we are unable to determine the clinical significance of this variant.

Sema4
Classification: Uncertain significance for Hereditary cancer-predisposing syndrome. Last evaluated: 2021-08-19. Review status: criteria provided, single submitter. Criteria: Sema4 Curation Guidelines. Collection method: curation. Allele origin: germline.
Comment: The NTHL1 c.163G>A (p.V55M) variant has not been reported in the literature to our knowledge. It was observed in 1/112724 chromosomes of the Non-Finnish European subpopulation in the large and broad cohorts of the Genome Aggregation Database (PMID: 32461654). The variant has been reported in ClinVar (Variation ID 649171). In silico tools suggest the impact of the variant on protein function is benign, though these predictions have not been confirmed by functional studies. The evidence is insufficient to meet ACMG/AMP criteria for classifying the variant as benign or pathogenic. Thus, the clinical significance of this variant is currently uncertain.

PreventionGenetics, part of Exact Sciences
Classification: Uncertain significance for NTHL1-related condition. Last evaluated: 2024-02-22. Review status: no assertion criteria provided. Collection method: clinical testing. Allele origin: germline. Not counted in ClinVar's aggregate classification.
Comment: The NTHL1 c.163G>A variant is predicted to result in the amino acid substitution p.Val55Met. To our knowledge, this variant has not been reported in the literature. This variant is reported in 0.00089% of alleles in individuals of European (Non-Finnish) descent in gnomAD. This variant is interpreted as uncertain in ClinVar. At this time, the clinical significance of this variant is uncertain due to the absence of conclusive functional and genetic evidence.

NM_002528.7(NTHL1):c.139G>A (p.Val47Met)

Gene: NTHL1 (nth like DNA glycosylase 1; minus strand). Cytogenetic location: 16p13.3.
Variant type: single nucleotide variant.
Coding change: c.139G>A on transcript NM_002528.7 (MANE Select); coding-DNA position 139, G replaced by A.
Protein change: p.Val47Met; replaces valine 47 with methionine.
Molecular consequence: missense variant. On other transcripts: 5 prime UTR variant (1).
Genome position (GRCh38, 1-based): chr16:2,046,343, C>T on the plus strand (G>A on the coding strand, the complement: NTHL1 is on the minus strand). VCF-style: chr16-2046343-C-T. GRCh37 (hg19) VCF-style: chr16-2096344-C-T.
Other names: c.139G>A, p.Val47Met (LRG_1366t1, NM_001318193.2); c.-40G>A (NM_001318194.2); short protein forms V47M.
Identifiers: ClinVar variation 649171 (VCV000649171.17), dbSNP rs1210160367, ClinGen allele CA394298008.